The following is an entry in ClinVar:

NM_001458.5(FLNC):c.1879G>A (p.Asp627Asn)

Gene: FLNC (filamin C; plus strand). Cytogenetic location: 7q32.1.
Variant type: single nucleotide variant.
Coding change: c.1879G>A on transcript NM_001458.5 (MANE Select); coding-DNA position 1879, G replaced by A.
Protein change: p.Asp627Asn; replaces aspartic acid 627 with asparagine.
Molecular consequence: missense variant.
Genome position (GRCh38, 1-based): chr7:128,841,235, G>A. VCF-style: chr7-128841235-G-A. GRCh37 (hg19) VCF-style: chr7-128481289-G-A.
Other names: c.1879G>A, p.Asp627Asn (NM_001127487.2); short protein forms D627N.
Identifiers: ClinVar variation 1394279 (VCV001394279.6), dbSNP rs1256634062, ClinGen allele CA369227274.

ClinVar aggregate classification (germline): Uncertain significance (1 of 4 stars; one submission).

Conditions:
Myofibrillar myopathy 5. Also called: Filaminopathy (type); FILAMINOPATHY, AUTOSOMAL DOMINANT. Identifiers: Orphanet 171445, MedGen C1836050, MONDO:0012289, OMIM 609524.
Hypertrophic cardiomyopathy 26. Also called: Cardiomyopathy, familial hypertrophic, 26. Identifiers: Orphanet 75249, MedGen C4310749, MONDO:0014883, OMIM 617047.
Distal myopathy with posterior leg and anterior hand involvement. Also called: WILLIAMS DISTAL MYOPATHY. Identifiers: Orphanet 63273, MedGen C3279722, MONDO:0013550, OMIM 614065.

Allele frequency attached by ClinVar (database versions not stated): gnomAD exomes below 0.00001 and 0.00001; gnomAD 0.00001; TOPMed 0.00001.
gnomAD v4.1: 9 of 1,614,000 alleles (0.00056%); highest among the groups gnomAD compares: South Asian, 0.0033%; no homozygotes.

Submission:

Labcorp Genetics (formerly Invitae), Labcorp
Classification: Uncertain significance for Distal myopathy with posterior leg and anterior hand involvement; Myofibrillar myopathy 5; Hypertrophic cardiomyopathy 26. Last evaluated: 2024-09-29. Review status: criteria provided, single submitter. Criteria: Invitae Variant Classification Sherloc (09022015). Collection method: clinical testing. Allele origin: germline.
Comment: This sequence change replaces aspartic acid, which is acidic and polar, with asparagine, which is neutral and polar, at codon 627 of the FLNC protein (p.Asp627Asn). This variant is present in population databases (no rsID available, gnomAD 0.002%). This variant has not been reported in the literature in individuals affected with FLNC-related conditions. ClinVar contains an entry for this variant (Variation ID: 1394279). Invitae Evidence Modeling of protein sequence and biophysical properties (such as structural, functional, and spatial information, amino acid conservation, physicochemical variation, residue mobility, and thermodynamic stability) has been performed for this missense variant. However, the output from this modeling did not meet the statistical confidence thresholds required to predict the impact of this variant on FLNC protein function. In summary, the available evidence is currently insufficient to determine the role of this variant in disease. Therefore, it has been classified as a Variant of Uncertain Significance.